The following is an entry in ClinVar:

NM_024529.5(CDC73):c.842G>T (p.Arg281Leu)

Gene: CDC73 (cell division cycle 73; plus strand). Cytogenetic location: 1q31.2.
Variant type: single nucleotide variant.
Coding change: c.842G>T on transcript NM_024529.5 (MANE Select); coding-DNA position 842, G replaced by T.
Protein change: p.Arg281Leu; replaces arginine 281 with leucine.
Molecular consequence: missense variant.
Genome position (GRCh38, 1-based): chr1:193,150,317, G>T. VCF-style: chr1-193150317-G-T. GRCh37 (hg19) VCF-style: chr1-193119447-G-T.
Other names: short protein forms R281L.
Identifiers: ClinVar variation 2725351 (VCV002725351.4), dbSNP rs762716583, ClinGen allele CA343964917.

ClinVar aggregate classification (germline): Uncertain significance. Review status: criteria provided, multiple submitters, no conflicts (2 of 4 stars). 2 submissions from 2 submitters: Uncertain significance (2). Last evaluated 2025-08-30.

Conditions:
Parathyroid carcinoma (PRTC). Also called: CDC73-Related Parathyroid Carcinoma; Parathyroid gland carcinoma. Identifiers: Orphanet 143, MedGen C0687150, MONDO:0012004, OMIM 608266, HP:0006780.
Hereditary cancer-predisposing syndrome. Also called: Neoplastic Syndromes, Hereditary; Tumor predisposition; Hereditary neoplastic syndrome; Hereditary Cancer Syndrome. Identifiers: Orphanet 140162, MedGen C0027672, MeSH D009386, MONDO:0015356.

Submissions (2):

Ambry Genetics
Classification: Uncertain significance for Hereditary cancer-predisposing syndrome. Last evaluated: 2025-08-30. Review status: criteria provided, single submitter. Criteria: Ambry Variant Classification Scheme 2023. Collection method: clinical testing. Allele origin: germline.
Comment: The p.R281L variant (also known as c.842G>T), located in coding exon 9 of the CDC73 gene, results from a G to T substitution at nucleotide position 842. The arginine at codon 281 is replaced by leucine, an amino acid with dissimilar properties. This amino acid position is conserved. In addition, the in silico prediction for this alteration is inconclusive. Based on the available evidence, the clinical significance of this variant remains unclear.

Labcorp Genetics (formerly Invitae), Labcorp
Classification: Uncertain significance for Parathyroid carcinoma. Last evaluated: 2023-11-11. Review status: criteria provided, single submitter. Criteria: Invitae Variant Classification Sherloc (09022015). Collection method: clinical testing. Allele origin: germline.
Comment: This sequence change replaces arginine, which is basic and polar, with leucine, which is neutral and non-polar, at codon 281 of the CDC73 protein (p.Arg281Leu). This variant is not present in population databases (gnomAD no frequency). This variant has not been reported in the literature in individuals affected with CDC73-related conditions. Advanced modeling of protein sequence and biophysical properties (such as structural, functional, and spatial information, amino acid conservation, physicochemical variation, residue mobility, and thermodynamic stability) performed at Invitae indicates that this missense variant is not expected to disrupt CDC73 protein function with a negative predictive value of 80%. In summary, the available evidence is currently insufficient to determine the role of this variant in disease. Therefore, it has been classified as a Variant of Uncertain Significance.